The following is an entry in ClinVar:

ClinVar aggregate classification (germline): Uncertain significance (1 of 4 stars; one submission).

Conditions:
Diffuse cerebral and cerebellar atrophy - intractable seizures - progressive microcephaly syndrome. Also called: Microcephaly, progressive, with seizures and cerebral and cerebellar atrophy. Identifiers: Orphanet 404437, MedGen C4014239, MONDO:0014335, OMIM 615760.

Submission:

Labcorp Genetics (formerly Invitae), Labcorp
Classification: Uncertain significance for Diffuse cerebral and cerebellar atrophy - intractable seizures - progressive microcephaly syndrome. Last evaluated: 2022-05-03. Review status: criteria provided, single submitter. Criteria: Invitae Variant Classification Sherloc (09022015). Collection method: clinical testing. Allele origin: germline.
Comment: This sequence change replaces histidine, which is basic and polar, with arginine, which is basic and polar, at codon 425 of the QARS protein (p.His425Arg). This variant is not present in population databases (gnomAD no frequency). This variant has not been reported in the literature in individuals affected with QARS-related conditions. Algorithms developed to predict the effect of missense changes on protein structure and function are either unavailable or do not agree on the potential impact of this missense change (SIFT: "Deleterious"; PolyPhen-2: "Probably Damaging"; Align-GVGD: "Class C0"). In summary, the available evidence is currently insufficient to determine the role of this variant in disease. Therefore, it has been classified as a Variant of Uncertain Significance.

NM_005051.3(QARS1):c.1274A>G (p.His425Arg)

Gene: QARS1 (glutaminyl-tRNA synthetase 1; minus strand). Cytogenetic location: 3p21.31.
Variant type: single nucleotide variant.
Coding change: c.1274A>G on transcript NM_005051.3 (MANE Select); coding-DNA position 1274, A replaced by G.
Protein change: p.His425Arg; replaces histidine 425 with arginine.
Molecular consequence: missense variant. On other transcripts: non-coding transcript variant (1).
Genome position (GRCh38, 1-based): chr3:49,099,982, T>C on the plus strand (A>G on the coding strand, the complement: QARS1 is on the minus strand). VCF-style: chr3-49099982-T-C. GRCh37 (hg19) VCF-style: chr3-49137415-T-C.
Other names: c.1241A>G, p.His414Arg (NM_001272073.2); short protein forms H414R, H425R.
Identifiers: ClinVar variation 2132604 (VCV002132604.4), dbSNP rs2107101880, ClinGen allele CA352708537.